The following is an entry in ClinVar:

ClinVar aggregate classification (germline): Likely benign (1 of 4 stars; one submission).

gnomAD v4.1: 24 of 1,579,058 alleles (0.0015%); highest among the groups gnomAD compares: African/African-American, 0.004%; no homozygotes.

Submission:

GeneDx
Classification: Likely benign. Last evaluated: 2024-02-13. Review status: criteria provided, single submitter. Criteria: GeneDx Variant Classification Process June 2021. Collection method: clinical testing. Allele origin: germline. Affected: yes.
Comment: See Variant Classification Assertion Criteria.

NM_001145809.2(MYH14):c.4001C>T (p.Ala1334Val)

Gene: MYH14 (myosin heavy chain 14; plus strand). Cytogenetic location: 19q13.33.
Variant type: single nucleotide variant.
Coding change: c.4001C>T on transcript NM_001145809.2 (MANE Select); coding-DNA position 4001, C replaced by T.
Protein change: p.Ala1334Val; replaces alanine 1334 with valine.
Molecular consequence: missense variant.
Genome position (GRCh38, 1-based): chr19:50,278,258, C>T. VCF-style: chr19-50278258-C-T. GRCh37 (hg19) VCF-style: chr19-50781515-C-T.
Other names: c.3902C>T, p.Ala1301Val (NM_001077186.2); c.3878C>T, p.Ala1293Val (NM_024729.4); short protein forms A1293V, A1301V, A1334V.
Identifiers: ClinVar variation 3340399 (VCV003340399.1).
Genomic context (GRCh38, chr19:50,278,258, plus strand): 5'-GCCTGGAGTTACAGCTGCAGGAGGTGCAGGGCCGGGCTGGTGATGGGGAGAGGGCACGAG[C>T]GGAGGCTGCTGAGAAGCTGCAGCGAGCCCAGGTAAGTGGGGTGGGCAGGGCAGAGGTTTC-3'
Protein context (NP_001139281.1, residues 1324-1344): GRAGDGERAR[Ala1334Val]EAAEKLQRAQ